The following is an entry in ClinVar:

NM_006086.4(TUBB3):c.925C>T (p.Arg309Cys)

Gene: TUBB3 (tubulin beta 3 class III; plus strand). Cytogenetic location: 16q24.3.
Variant type: single nucleotide variant.
Coding change: c.925C>T on transcript NM_006086.4 (MANE Select); coding-DNA position 925, C replaced by T.
Protein change: p.Arg309Cys; replaces arginine 309 with cysteine.
Molecular consequence: missense variant.
Genome position (GRCh38, 1-based): chr16:89,935,376, C>T. VCF-style: chr16-89935376-C-T. GRCh37 (hg19) VCF-style: chr16-90001784-C-T.
Other names: c.709C>T, p.Arg237Cys (NM_001197181.2); short protein forms R237C, R309C.
Identifiers: ClinVar variation 1326540 (VCV001326540.4), dbSNP rs2151092961, ClinGen allele CA397475938.

ClinVar aggregate classification (germline): Conflicting classifications of pathogenicity. Review status: criteria provided, conflicting classifications (1 of 4 stars). 2 submissions from 2 submitters: Likely pathogenic (1); Uncertain significance (1). Last evaluated 2026-02-05.

Conditions:
Complex cortical dysplasia with other brain malformations 1. Identifiers: Orphanet 300570, MedGen C3808397, MONDO:0013541, OMIM 614039.

gnomAD v4.1: 4 of 1,614,154 alleles (0.00025%); highest among the groups gnomAD compares: Non-Finnish European, 0.00034%; no homozygotes.

Submissions (2):

GeneDx
Classification: Uncertain significance. Last evaluated: 2026-02-05. Review status: criteria provided, single submitter. Criteria: GeneDx Variant Classification Process June 2021. Collection method: clinical testing. Allele origin: germline. Affected: yes.
Comment: Not observed at significant frequency in large population cohorts (gnomAD); Missense variants in this gene are a common cause of disease and they are underrepresented in the general population; In silico analysis supports that this missense variant has a deleterious effect on protein structure/function; Has not been previously published as pathogenic or benign to our knowledge; This variant is associated with the following publications: (PMID: 20829227)

Institute of Human Genetics, University of Leipzig Medical Center
Classification: Likely pathogenic for Complex cortical dysplasia with other brain malformations 1. Last evaluated: 2022-12-22. Review status: criteria provided, single submitter. Criteria: ACMG Guidelines, 2015. Collection method: clinical testing. Allele origin: paternal. Affected: yes.